The following is an entry in ClinVar:

NM_002693.3(POLG):c.1612G>T (p.Glu538Ter)

Gene: POLG (DNA polymerase gamma, catalytic subunit; minus strand). Cytogenetic location: 15q26.1.
Variant type: single nucleotide variant.
Coding change: c.1612G>T on transcript NM_002693.3 (MANE Select); coding-DNA position 1612, G replaced by T.
Protein change: p.Glu538Ter; replaces glutamic acid 538 with a stop codon.
Molecular consequence: nonsense.
Genome position (GRCh38, 1-based): chr15:89,326,712, C>A on the plus strand (G>T on the coding strand, the complement: POLG is on the minus strand). VCF-style: chr15-89326712-C-A. GRCh37 (hg19) VCF-style: chr15-89869943-C-A.
Other names: c.1612G>T, p.Glu538Ter (NM_001126131.2); short protein forms E538*.
Identifiers: ClinVar variation 5013275 (VCV005013275.1).

ClinVar aggregate classification (germline): Pathogenic (1 of 4 stars; one submission).

Conditions:
POLG-related disorder. Also called: POLG-Related Spectrum Disorders; POLG-related condition; POLG-Related Disorders. Identifiers: MedGen C4763519.

Submission:

Myriad Genetics, Inc.
Classification: Pathogenic for POLG-related disorder. Last evaluated: 2024-07-03. Review status: criteria provided, single submitter. Criteria: Myriad Autosomal Dominant, Autosomal Recessive and X-Linked Classification Criteria (2023). Collection method: clinical testing. Allele origin: unknown.
Comment: NM_002693.2(POLG):c.1612G>T(E538*) is expected to be pathogenic in the context of POLG-related disorders. This variant is predicted to lead to an abnormal or absent protein product due to the creation of a premature termination codon in POLG, a gene where loss-of-function variants are known to be pathogenic. Please note: this variant was assessed in the context of healthy population screening.